The following is an entry in ClinVar:

NM_001349338.3(FOXP1):c.1653-44_1653-4dup

Gene: FOXP1 (forkhead box P1; minus strand). Cytogenetic location: 3p13.
Variant type: Duplication.
Coding change: c.1653-44_1653-4dup on transcript NM_001349338.3 (MANE Select); 44 bases into the intron before coding-DNA position 1653 through 4 bases into the intron before coding-DNA position 1653, 41 bases duplicated.
Molecular consequence: intron variant.
Genome position (GRCh38, 1-based): chr3:70,970,809-70,970,849, 41 bases duplicated; duplicating any 41 consecutive bases within chr3:70,970,809-70,970,851 gives the same sequence; the c. name uses the placement nearest the transcript's 3' end. GRCh37 (hg19): chr3:71,019,962-71,020,002.
Other names: c.1701-44_1701-4dup (NM_001244810.2); c.1653-44_1653-4dup (NM_032682.6, NM_001349340.3, NM_001244816.2 and 1 more transcripts); c.1650-44_1650-4dup (NM_001349341.3, NM_001244808.3); c.1425-44_1425-4dup (NM_001244812.3); c.1350-44_1350-4dup (NM_001349343.3, NM_001349337.2, NM_001370548.1 and 1 more transcripts); c.1353-44_1353-4dup (NM_001349342.3, NM_001244815.2, NM_001244813.3).
Identifiers: ClinVar variation 3625370 (VCV003625370.2).

ClinVar aggregate classification (germline): Uncertain significance (1 of 4 stars; one submission).

Submission:

Labcorp Genetics (formerly Invitae), Labcorp
Classification: Uncertain significance. Last evaluated: 2024-12-28. Review status: criteria provided, single submitter. Criteria: Invitae Variant Classification Sherloc (09022015). Collection method: clinical testing. Allele origin: germline.
Comment: This sequence change falls in intron 18 of the FOXP1 gene. It does not directly change the encoded amino acid sequence of the FOXP1 protein. This variant is not present in population databases (gnomAD no frequency). This variant has not been reported in the literature in individuals affected with FOXP1-related conditions. Experimental studies and prediction algorithms are not available or were not evaluated, and the effect of this variant on mRNA splicing is currently unknown. In summary, the available evidence is currently insufficient to determine the role of this variant in disease. Therefore, it has been classified as a Variant of Uncertain Significance.